The following is an entry in ClinVar:

ClinVar aggregate classification (germline): Uncertain significance (1 of 4 stars; one submission).

Conditions:
Charcot-Marie-Tooth disease type 4. Also called: Charcot-Marie-Tooth, Type 4; Charcot-Marie-Tooth disease, type IV. Identifiers: Orphanet 64749, MedGen C4082197, MONDO:0018995.

gnomAD v4.1: 8 of 1,614,168 alleles (0.0005%); highest among the groups gnomAD compares: Non-Finnish European, 0.00068%; no homozygotes.

Submission:

Labcorp Genetics (formerly Invitae), Labcorp
Classification: Uncertain significance for Charcot-Marie-Tooth disease type 4. Last evaluated: 2022-06-18. Review status: criteria provided, single submitter. Criteria: Invitae Variant Classification Sherloc (09022015). Collection method: clinical testing. Allele origin: germline.
Comment: This variant is not present in population databases (gnomAD no frequency). This sequence change replaces valine, which is neutral and non-polar, with leucine, which is neutral and non-polar, at codon 929 of the SH3TC2 protein (p.Val929Leu). This variant has not been reported in the literature in individuals affected with SH3TC2-related conditions. Advanced modeling of protein sequence and biophysical properties (such as structural, functional, and spatial information, amino acid conservation, physicochemical variation, residue mobility, and thermodynamic stability) performed at Invitae indicates that this missense variant is not expected to disrupt SH3TC2 protein function. In summary, the available evidence is currently insufficient to determine the role of this variant in disease. Therefore, it has been classified as a Variant of Uncertain Significance.

NM_024577.4(SH3TC2):c.2785G>C (p.Val929Leu)

Gene: SH3TC2 (SH3 domain and tetratricopeptide repeats 2; minus strand). Cytogenetic location: 5q32.
Variant type: single nucleotide variant.
Coding change: c.2785G>C on transcript NM_024577.4 (MANE Select); coding-DNA position 2785, G replaced by C.
Protein change: p.Val929Leu; replaces valine 929 with leucine.
Molecular consequence: missense variant.
Genome position (GRCh38, 1-based): chr5:149,026,947, C>G on the plus strand (G>C on the coding strand, the complement: SH3TC2 is on the minus strand). VCF-style: chr5-149026947-C-G. GRCh37 (hg19) VCF-style: chr5-148406510-C-G.
Other names: short protein forms V929L.
Identifiers: ClinVar variation 1513040 (VCV001513040.6), dbSNP rs2127397007, ClinGen allele CA361665630.